The following is an entry in ClinVar:

ClinVar aggregate classification (germline): Conflicting classifications of pathogenicity. Review status: criteria provided, conflicting classifications (1 of 4 stars). 5 submissions from 5 submitters: Uncertain significance (3); Likely benign (1). 1 of the submissions does not count toward it. Last evaluated 2025-10-24.

Conditions:
ELP1-related disorder. Also called: ELP1-related condition.
Familial dysautonomia. Also called: FD; HSAN III. Identifiers: Orphanet 1764, MedGen C0013364, MONDO:0009131, OMIM 223900. Disease mechanism: loss of function.
Medulloblastoma (MDB). Also called: Medulloblastoma, somatic; MEDULLOBLASTOMA PREDISPOSITION SYNDROME. Identifiers: Orphanet 616, MedGen C0025149, MeSH D008527, MONDO:0007959, OMIM 155255, HP:0002885.

Allele frequency attached by ClinVar (database versions not stated): ExAC 0.00006; gnomAD 0.00006; TOPMed 0.00006; ESP Exome Variant Server 0.00008; gnomAD exomes 0.00010.

Submissions (5):

PreventionGenetics, part of Exact Sciences
Classification: Likely benign for ELP1-related condition. Last evaluated: 2025-10-24. Review status: criteria provided, single submitter. Criteria: ACMG Guidelines, 2015. Collection method: clinical testing. Allele origin: germline.
Comment: This variant is classified as likely benign based on ACMG/AMP sequence variant interpretation guidelines (Richards et al. 2015 PMID: 25741868, with internal and published modifications).

Ambry Genetics
Classification: Uncertain significance. Last evaluated: 2022-02-11. Review status: criteria provided, single submitter. Criteria: Ambry Variant Classification Scheme 2023. Collection method: clinical testing. Allele origin: germline.
Comment: The p.A467D variant (also known as c.1400C>A), located in coding exon 12 of the IKBKAP gene, results from a C to A substitution at nucleotide position 1400. The alanine at codon 467 is replaced by aspartic acid, an amino acid with dissimilar properties. This amino acid position is well conserved in available vertebrate species. In addition, the in silico prediction for this alteration is inconclusive. Since supporting evidence is limited at this time, the clinical significance of this alteration remains unclear.

Fulgent Genetics
Classification: Uncertain significance for Medulloblastoma; Familial dysautonomia. Last evaluated: 2022-01-13. Review status: criteria provided, single submitter. Criteria: ACMG Guidelines, 2015. Collection method: clinical testing. Allele origin: unknown.

Labcorp Genetics (formerly Invitae), Labcorp
Classification: Uncertain significance. Last evaluated: 2021-12-29. Review status: criteria provided, single submitter. Criteria: Invitae Variant Classification Sherloc (09022015). Collection method: clinical testing. Allele origin: germline.
Comment: This sequence change replaces alanine, which is neutral and non-polar, with aspartic acid, which is acidic and polar, at codon 467 of the ELP1 protein (p.Ala467Asp). This variant is present in population databases (rs368040993, gnomAD 0.2%). This variant has not been reported in the literature in individuals affected with ELP1-related conditions. ClinVar contains an entry for this variant (Variation ID: 851633). Algorithms developed to predict the effect of missense changes on protein structure and function are either unavailable or do not agree on the potential impact of this missense change (SIFT: "Deleterious"; PolyPhen-2: "Benign"; Align-GVGD: "Class C0"). In summary, the available evidence is currently insufficient to determine the role of this variant in disease. Therefore, it has been classified as a Variant of Uncertain Significance.

Natera, Inc.
Classification: Uncertain significance for Hereditary sensory and autonomic neuropathy type III. Last evaluated: 2020-01-24. Review status: no assertion criteria provided. Collection method: clinical testing. Allele origin: germline. Not counted in ClinVar's aggregate classification.

NM_003640.5(ELP1):c.1400C>A (p.Ala467Asp)

Gene: ELP1 (elongator acetyltransferase complex subunit 1; minus strand). Cytogenetic location: 9q31.3.
Variant type: single nucleotide variant.
Coding change: c.1400C>A on transcript NM_003640.5 (MANE Select); coding-DNA position 1400, C replaced by A.
Protein change: p.Ala467Asp; replaces alanine 467 with aspartic acid.
Molecular consequence: missense variant.
Genome position (GRCh38, 1-based): chr9:108,908,365, G>T on the plus strand (C>A on the coding strand, the complement: ELP1 is on the minus strand). VCF-style: chr9-108908365-G-T. GRCh37 (hg19) VCF-style: chr9-111670645-G-T.
Other names: c.1058C>A, p.Ala353Asp (NM_001318360.2); c.353C>A, p.Ala118Asp (NM_001330749.2); c.1400C>A (NM_003640.4); short protein forms A353D, A467D, A118D.
Identifiers: ClinVar variation 851633 (VCV000851633.7), dbSNP rs368040993, ClinGen allele CA5175030.
Genomic context (GRCh38, chr9:108,908,365, plus strand): 5'-TTGTATCTCTTTTCCAAATGAGGAGTTCTAAGGCAAACTTTAAATCCACTTCCACCCACA[G>T]CTCCCAGTTTCACTGTAGGGTCAGCACTTGGACAATCACCTGGAAAACAAAAATGCAAAT-3'
Protein context (NP_003631.2, residues 457-477): PSADPTVKLG[Ala467Asp]VGGSGFKVCL